The following is an entry in ClinVar:

ClinVar aggregate classification (germline): Likely benign (0 of 4 stars; one submission).

Conditions:
PHIP-related disorder. Also called: PHIP-related condition; PHIP-related disorders.

gnomAD v4.1: 2 of 1,613,928 alleles (0.00012%); highest among the groups gnomAD compares: Non-Finnish European, 0.00017%; no homozygotes.

Submission:

PreventionGenetics, part of Exact Sciences
Classification: Likely benign for PHIP-related condition. Last evaluated: 2021-09-13. Review status: no assertion criteria provided. Collection method: clinical testing. Allele origin: germline.
Comment: This variant is classified as likely benign based on ACMG/AMP sequence variant interpretation guidelines (Richards et al. 2015 PMID: 25741868, with internal and published modifications).

NM_017934.7(PHIP):c.5094T>C (p.Thr1698=)

Genes: IRAK1BP1 (interleukin 1 receptor associated kinase 1 binding protein 1; plus strand), PHIP (PHIP subunit of CUL4-Ring ligase complex; minus strand). Cytogenetic location: 6q14.1.
Variant type: single nucleotide variant.
Coding change: c.5094T>C on transcript NM_017934.7 (MANE Select); coding-DNA position 5094, T replaced by C.
Protein change: p.Thr1698=; no amino-acid change (threonine 1698 retained).
Molecular consequence: synonymous variant.
Genome position (GRCh38, 1-based): chr6:78,941,065, A>G on the plus strand (T>C on the coding strand, the complement: PHIP is on the minus strand). VCF-style: chr6-78941065-A-G. GRCh37 (hg19) VCF-style: chr6-79650782-A-G.
Identifiers: ClinVar variation 3355227 (VCV003355227.1).